The following is an entry in ClinVar:

ClinVar aggregate classification (germline): Likely benign. Review status: criteria provided, single submitter (1 of 4 stars). 2 submissions from 2 submitters: Likely benign (1). 1 of the submissions does not count toward it. Last evaluated 2026-01-20.

Conditions:
IFT74-related disorder. Also called: IFT74-Related Disorders; IFT74-related condition.

Allele frequency attached by ClinVar (database versions not stated): TOPMed 0.00003; 1000 Genomes Project 0.00020; gnomAD exomes 0.00002; 1000 Genomes Project 30x 0.00016; gnomAD 0.00003; ExAC 0.00007.
gnomAD v4.1: 41 of 1,609,166 alleles (0.0025%); highest among the groups gnomAD compares: East Asian, 0.047%; no homozygotes.

Submissions (2):

Labcorp Genetics (formerly Invitae), Labcorp
Classification: Likely benign. Last evaluated: 2026-01-20. Review status: criteria provided, single submitter. Criteria: Invitae Variant Classification Sherloc (09022015). Collection method: clinical testing. Allele origin: germline.

PreventionGenetics, part of Exact Sciences
Classification: Likely benign for IFT74-related condition. Last evaluated: 2024-06-28. Review status: no assertion criteria provided. Collection method: clinical testing. Allele origin: germline. Not counted in ClinVar's aggregate classification.
Comment: This variant is classified as likely benign based on ACMG/AMP sequence variant interpretation guidelines (Richards et al. 2015 PMID: 25741868, with internal and published modifications).

NM_025103.4(IFT74):c.456C>T (p.Asp152=)

Gene: IFT74 (intraflagellar transport 74; plus strand). Cytogenetic location: 9p21.2.
Variant type: single nucleotide variant.
Coding change: c.456C>T on transcript NM_025103.4 (MANE Select); coding-DNA position 456, C replaced by T.
Protein change: p.Asp152=; no amino-acid change (aspartic acid 152 retained).
Molecular consequence: synonymous variant.
Genome position (GRCh38, 1-based): chr9:26,984,550, C>T. VCF-style: chr9-26984550-C-T. GRCh37 (hg19) VCF-style: chr9-26984548-C-T.
Other names: c.456C>T (NM_025103.2); c.456C>T, p.Asp152= (NM_001099222.3, NM_001099223.3, NM_001099224.3 and 1 more transcripts).
Identifiers: ClinVar variation 2971908 (VCV002971908.4), dbSNP rs529422914, ClinGen allele CA5014960.